The following is an entry in ClinVar:

ClinVar aggregate classification (germline): Uncertain significance (1 of 4 stars; one submission).

Conditions:
Primary ciliary dyskinesia. Also called: Ciliary dyskinesia. Identifiers: Orphanet 244, MedGen C0008780, MONDO:0016575, HP:0012265.

gnomAD v4.1: 17 of 1,613,428 alleles (0.0011%); highest among the groups gnomAD compares: Non-Finnish European, 0.0014%; no homozygotes.

Submission:

Ambry Genetics
Classification: Uncertain significance for Primary ciliary dyskinesia. Last evaluated: 2025-04-20. Review status: criteria provided, single submitter. Criteria: Ambry Variant Classification Scheme 2023. Collection method: clinical testing. Allele origin: germline.
Comment: The p.Y3565D variant (also known as c.10693T>G), located in coding exon 66 of the DNAH11 gene, results from a T to G substitution at nucleotide position 10693. The tyrosine at codon 3565 is replaced by aspartic acid, an amino acid with highly dissimilar properties. This amino acid position is conserved. In addition, this alteration is predicted to be tolerated by in silico analysis. Based on the available evidence, the clinical significance of this variant remains unclear.

NM_001277115.2(DNAH11):c.10693T>G (p.Tyr3565Asp)

Gene: DNAH11 (dynein axonemal heavy chain 11; plus strand). Cytogenetic location: 7p15.3.
Variant type: single nucleotide variant.
Coding change: c.10693T>G on transcript NM_001277115.2 (MANE Select); coding-DNA position 10693, T replaced by G.
Protein change: p.Tyr3565Asp; replaces tyrosine 3565 with aspartic acid.
Molecular consequence: missense variant.
Genome position (GRCh38, 1-based): chr7:21,842,545, T>G. VCF-style: chr7-21842545-T-G. GRCh37 (hg19) VCF-style: chr7-21882163-T-G.
Other names: short protein forms Y3565D.
Identifiers: ClinVar variation 4012676 (VCV004012676.1).